The following is an entry in ClinVar:

ClinVar aggregate classification (germline): Uncertain significance (1 of 4 stars; one submission).

Allele frequency attached by ClinVar (database versions not stated): gnomAD exomes 0.00001; gnomAD 0.00002; TOPMed 0.00002; ExAC 0.00003; 1000 Genomes Project 30x 0.00016; 1000 Genomes Project 0.00020.
gnomAD v4.1: 18 of 1,614,172 alleles (0.0011%); highest among the groups gnomAD compares: South Asian, 0.012%; no homozygotes.

Submission:

Labcorp Genetics (formerly Invitae), Labcorp
Classification: Uncertain significance. Last evaluated: 2022-08-19. Review status: criteria provided, single submitter. Criteria: Invitae Variant Classification Sherloc (09022015). Collection method: clinical testing. Allele origin: germline.
Comment: This sequence change replaces arginine, which is basic and polar, with histidine, which is basic and polar, at codon 375 of the TPP1 protein (p.Arg375His). This variant is present in population databases (rs546003291, gnomAD 0.01%). This variant has not been reported in the literature in individuals affected with TPP1-related conditions. Advanced modeling of protein sequence and biophysical properties (such as structural, functional, and spatial information, amino acid conservation, physicochemical variation, residue mobility, and thermodynamic stability) performed at Invitae indicates that this missense variant is expected to disrupt TPP1 protein function. In summary, the available evidence is currently insufficient to determine the role of this variant in disease. Therefore, it has been classified as a Variant of Uncertain Significance.

NM_000391.4(TPP1):c.1124G>A (p.Arg375His)

Gene: TPP1 (tripeptidyl peptidase 1; minus strand). Cytogenetic location: 11p15.4.
Variant type: single nucleotide variant.
Coding change: c.1124G>A on transcript NM_000391.4 (MANE Select); coding-DNA position 1124, G replaced by A.
Protein change: p.Arg375His; replaces arginine 375 with histidine.
Molecular consequence: missense variant.
Genome position (GRCh38, 1-based): chr11:6,616,026, C>T on the plus strand (G>A on the coding strand, the complement: TPP1 is on the minus strand). VCF-style: chr11-6616026-C-T. GRCh37 (hg19) VCF-style: chr11-6637257-C-T.
Other names: short protein forms R375H.
Identifiers: ClinVar variation 2158987 (VCV002158987.1), dbSNP rs546003291, ClinGen allele CA5858749.